The following is an entry in ClinVar:

NM_000346.4(SOX9):c.654G>A (p.Met218Ile)

Gene: SOX9 (SRY-box transcription factor 9; plus strand). Cytogenetic location: 17q24.3.
Variant type: single nucleotide variant.
Coding change: c.654G>A on transcript NM_000346.4 (MANE Select); coding-DNA position 654, G replaced by A.
Protein change: p.Met218Ile; replaces methionine 218 with isoleucine.
Molecular consequence: missense variant.
Genome position (GRCh38, 1-based): chr17:72,122,941, G>A. VCF-style: chr17-72122941-G-A. GRCh37 (hg19) VCF-style: chr17-70119082-G-A.
Other names: short protein forms M218I.
Identifiers: ClinVar variation 536130 (VCV000536130.11), dbSNP rs747366415, ClinGen allele CA8738968.

ClinVar aggregate classification (germline): Uncertain significance. Review status: criteria provided, single submitter (1 of 4 stars). 2 submissions from 2 submitters: Uncertain significance (1). 1 of the submissions does not count toward it. Last evaluated 2025-03-31.

Conditions:
SOX9-related disorder. Also called: SOX9-related condition.
Camptomelic dysplasia (CMPD). Also called: Campomelic Dysplasia; CMPD1/SRA1. Identifiers: Orphanet 140, MedGen C1861922, MONDO:0007251, OMIM 114290.

Allele frequency attached by ClinVar (database versions not stated): ExAC 0.00001; gnomAD exomes 0.00001 and 0.00003; TOPMed 0.00003; gnomAD 0.00005.
gnomAD v4.1: 52 of 1,613,836 alleles (0.0032%); highest among the groups gnomAD compares: Non-Finnish European, 0.0039%; no homozygotes.

Submissions (2):

Labcorp Genetics (formerly Invitae), Labcorp
Classification: Uncertain significance for Camptomelic dysplasia. Last evaluated: 2025-03-31. Review status: criteria provided, single submitter. Criteria: Invitae Variant Classification Sherloc (09022015). Collection method: clinical testing. Allele origin: germline.
Comment: This sequence change replaces methionine, which is neutral and non-polar, with isoleucine, which is neutral and non-polar, at codon 218 of the SOX9 protein (p.Met218Ile). This variant is present in population databases (rs747366415, gnomAD 0.004%). This variant has not been reported in the literature in individuals affected with SOX9-related conditions. ClinVar contains an entry for this variant (Variation ID: 536130). Invitae Evidence Modeling of protein sequence and biophysical properties (such as structural, functional, and spatial information, amino acid conservation, physicochemical variation, residue mobility, and thermodynamic stability) indicates that this missense variant is not expected to disrupt SOX9 protein function with a negative predictive value of 95%. In summary, the available evidence is currently insufficient to determine the role of this variant in disease. Therefore, it has been classified as a Variant of Uncertain Significance.

PreventionGenetics, part of Exact Sciences
Classification: Uncertain significance for SOX9-related condition. Last evaluated: 2023-12-21. Review status: no assertion criteria provided. Collection method: clinical testing. Allele origin: germline. Not counted in ClinVar's aggregate classification.
Comment: The SOX9 c.654G>A variant is predicted to result in the amino acid substitution p.Met218Ile. To our knowledge, this variant has not been reported in the literature. This variant is reported in 0.0023% of alleles in individuals of European (Non-Finnish) descent in gnomAD. At this time, the clinical significance of this variant is uncertain due to the absence of conclusive functional and genetic evidence.